The following is an entry in ClinVar:

ClinVar aggregate classification (germline): Uncertain significance (1 of 4 stars; one submission).

Allele frequency attached by ClinVar (database versions not stated): TOPMed below 0.00001.

Submission:

Labcorp Genetics (formerly Invitae), Labcorp
Classification: Uncertain significance. Last evaluated: 2022-09-28. Review status: criteria provided, single submitter. Criteria: Invitae Variant Classification Sherloc (09022015). Collection method: clinical testing. Allele origin: germline.
Comment: Algorithms developed to predict the effect of missense changes on protein structure and function output the following: SIFT: "Tolerated"; PolyPhen-2: "Not Available"; Align-GVGD: "Class C0". The alanine amino acid residue is found in multiple mammalian species, which suggests that this missense change does not adversely affect protein function. This variant has not been reported in the literature in individuals affected with RGR-related conditions. This variant is not present in population databases (gnomAD no frequency). This sequence change replaces threonine, which is neutral and polar, with alanine, which is neutral and non-polar, at codon 290 of the RGR protein (p.Thr290Ala). In summary, the available evidence is currently insufficient to determine the role of this variant in disease. Therefore, it has been classified as a Variant of Uncertain Significance.

NM_001012720.2(RGR):c.868A>G (p.Thr290Ala)

Gene: RGR (retinal G protein coupled receptor; plus strand). Cytogenetic location: 10q23.1.
Variant type: single nucleotide variant.
Coding change: c.868A>G on transcript NM_001012720.2 (MANE Select); coding-DNA position 868, A replaced by G.
Protein change: p.Thr290Ala; replaces threonine 290 with alanine.
Molecular consequence: missense variant.
Genome position (GRCh38, 1-based): chr10:84,258,631, A>G. VCF-style: chr10-84258631-A-G. GRCh37 (hg19) VCF-style: chr10-86018387-A-G.
Other names: c.754A>G, p.Thr252Ala (NM_001012722.2); c.880A>G, p.Thr294Ala (NM_002921.4); short protein forms T252A, T290A, T294A.
Identifiers: ClinVar variation 1720593 (VCV001720593.5), dbSNP rs1294711233, ClinGen allele CA377392546.
Genomic context (GRCh38, chr10:84,258,631, plus strand): 5'-GAGATGGTCTGCAGGGGAATCTGGCAGTGCCTCTCACCGCAGAAGAGGGAGAAGGACCGA[A>G]CCAAGTGAGCCTGCCACCCTGGAGTGAGCCCCAGGCCAGGAGGCTGTTCCAGGAGTCCTG-3'
Protein context (NP_001012738.1, residues 280-291): LSPQKREKDR[Thr290Ala]K